The following is an entry in ClinVar:

ClinVar aggregate classification (germline): Uncertain significance (1 of 4 stars; one submission).

Conditions:
Distal hereditary motor neuropathy type 2. Identifiers: Orphanet 139525, MedGen C3711384, MeSH C580044, MONDO:0015352.

Allele frequency attached by ClinVar (database versions not stated): gnomAD exomes below 0.00001; ExAC 0.00001.

Submission:

Labcorp Genetics (formerly Invitae), Labcorp
Classification: Uncertain significance for Distal hereditary motor neuropathy type 2. Last evaluated: 2025-12-08. Review status: criteria provided, single submitter. Criteria: Invitae Variant Classification Sherloc (09022015). Collection method: clinical testing. Allele origin: germline.
Comment: This sequence change replaces valine, which is neutral and non-polar, with isoleucine, which is neutral and non-polar, at codon 728 of the FBXO38 protein (p.Val728Ile). This variant is present in population databases (rs763198382, gnomAD 0.003%). This variant has not been reported in the literature in individuals affected with FBXO38-related conditions. ClinVar contains an entry for this variant (Variation ID: 1001185). Invitae Evidence Modeling of protein sequence and biophysical properties (such as structural, functional, and spatial information, amino acid conservation, physicochemical variation, residue mobility, and thermodynamic stability) indicates that this missense variant is not expected to disrupt FBXO38 protein function with a negative predictive value of 80%. In summary, the available evidence is currently insufficient to determine the role of this variant in disease. Therefore, it has been classified as a Variant of Uncertain Significance.

NM_205836.3(FBXO38):c.2182G>A (p.Val728Ile)

Gene: FBXO38 (F-box protein 38; plus strand). Cytogenetic location: 5q32.
Variant type: single nucleotide variant.
Coding change: c.2182G>A on transcript NM_205836.3 (MANE Select); coding-DNA position 2182, G replaced by A.
Protein change: p.Val728Ile; replaces valine 728 with isoleucine.
Molecular consequence: missense variant. On other transcripts: intron variant (1).
Genome position (GRCh38, 1-based): chr5:148,427,476, G>A. VCF-style: chr5-148427476-G-A. GRCh37 (hg19) VCF-style: chr5-147807039-G-A.
Other names: c.2182G>A, p.Val728Ile (NM_030793.5); c.1918+1775G>A (NM_001271723.2); short protein forms V728I.
Identifiers: ClinVar variation 1001185 (VCV001001185.10), dbSNP rs763198382, ClinGen allele CA3497460.